The following is an entry in ClinVar:

ClinVar aggregate classification (germline): Likely pathogenic (1 of 4 stars; one submission).

Conditions:
Acute infantile liver failure due to synthesis defect of mtDNA-encoded proteins. Also called: Liver failure acute infantile; LIVER FAILURE, INFANTILE, TRANSIENT; TRMU Deficiency. Identifiers: Orphanet 217371, MedGen C3278664, MONDO:0013111, OMIM 613070.

Submission:

Natera, Inc.
Classification: Likely pathogenic for Acute infantile liver failure due to synthesis defect of mtDNA-encoded proteins. Last evaluated: 2025-10-08. Review status: criteria provided, single submitter. Criteria: Natera Variant Classification Schema (03/2026). Collection method: clinical testing. Allele origin: germline.
Comment: The c.874-1G>A variant in TRMU is a canonical splice acceptor site variant predicted to affect pre-mRNA splicing, which may result in an abnormal transcript and altered protein product. This variant is expected to result in nonsense mediated decay, truncation, or a dysfunctional protein product. This variant is rare in the general population with a frequency below the threshold expected for the associated phenotype(s). Given the available evidence, this variant is classified as Likely Pathogenic.

NM_018006.5(TRMU):c.874-1G>A

Gene: TRMU (tRNA mitochondrial 2-thiouridylase; plus strand). Cytogenetic location: 22q13.31.
Variant type: single nucleotide variant.
Coding change: c.874-1G>A on transcript NM_018006.5 (MANE Select); the canonical splice acceptor site of the intron before coding-DNA position 874, G replaced by A.
Molecular consequence: splice acceptor variant.
Genome position (GRCh38, 1-based): chr22:46,355,443, G>A. VCF-style: chr22-46355443-G-A. GRCh37 (hg19) VCF-style: chr22-46751340-G-A.
Other names: c.874-1G>A (NM_001282785.2); c.532-1G>A (NM_001282782.2); c.454-1G>A (NM_001282783.2, NM_001282784.2).
Identifiers: ClinVar variation 4816003 (VCV004816003.1).
Genomic context (GRCh38, chr22:46,355,443, plus strand): 5'-TGAGGCCGGCCTTGGGGCCAGGTGCCCCTCGGCGTCCCCACCTTCACATTCCATTCTGCA[G>A]GCCCCCCGGACAGACCACCCAGCCCTGTACAGGGACCTGCTGAGGACCAGCCGCGTGCAC-3'